The following is an entry in ClinVar:

NM_198578.4(LRRK2):c.3943G>T (p.Ala1315Ser)

Gene: LRRK2 (leucine rich repeat kinase 2; plus strand). Cytogenetic location: 12q12.
Variant type: single nucleotide variant.
Coding change: c.3943G>T on transcript NM_198578.4 (MANE Select); coding-DNA position 3943, G replaced by T.
Protein change: p.Ala1315Ser; replaces alanine 1315 with serine.
Molecular consequence: missense variant.
Genome position (GRCh38, 1-based): chr12:40,305,950, G>T. VCF-style: chr12-40305950-G-T. GRCh37 (hg19) VCF-style: chr12-40699752-G-T.
Other names: short protein forms A1315S.
Identifiers: ClinVar variation 2124934 (VCV002124934.4), dbSNP rs1423892233, ClinGen allele CA384417395.

ClinVar aggregate classification (germline): Uncertain significance (1 of 4 stars; one submission).

Conditions:
Autosomal dominant Parkinson disease 8. Also called: Parkinson disease 8; Parkinson disease 8, susceptibility to; LRRK2-Related Parkinson Disease. Identifiers: Orphanet 411602, MedGen C1846862, MONDO:0011764, OMIM 607060.

Allele frequency attached by ClinVar (database versions not stated): gnomAD 0.00001.
gnomAD v4.1: 1 of 1,609,522 alleles (0.000062%); highest among the groups gnomAD compares: Non-Finnish European, 0.000085%; no homozygotes.

Submission:

Labcorp Genetics (formerly Invitae), Labcorp
Classification: Uncertain significance for Autosomal dominant Parkinson disease 8. Last evaluated: 2022-04-11. Review status: criteria provided, single submitter. Criteria: Invitae Variant Classification Sherloc (09022015). Collection method: clinical testing. Allele origin: germline.
Comment: This variant is present in population databases (no rsID available, gnomAD 0.007%). In summary, the available evidence is currently insufficient to determine the role of this variant in disease. Therefore, it has been classified as a Variant of Uncertain Significance. Algorithms developed to predict the effect of missense changes on protein structure and function are either unavailable or do not agree on the potential impact of this missense change (SIFT: "Tolerated"; PolyPhen-2: "Possibly Damaging"; Align-GVGD: "Class C0"). This variant has not been reported in the literature in individuals affected with LRRK2-related conditions. This sequence change replaces alanine, which is neutral and non-polar, with serine, which is neutral and polar, at codon 1315 of the LRRK2 protein (p.Ala1315Ser).